The following is an entry in ClinVar:

NM_004168.4(SDHA):c.1335G>T (p.Ser445=)

Gene: SDHA (succinate dehydrogenase complex flavoprotein subunit A; plus strand). Cytogenetic location: 5p15.33.
Variant type: single nucleotide variant.
Coding change: c.1335G>T on transcript NM_004168.4 (MANE Select); coding-DNA position 1335, G replaced by T.
Protein change: p.Ser445=; no amino-acid change (serine 445 retained).
Molecular consequence: synonymous variant.
Genome position (GRCh38, 1-based): chr5:236,502, G>T. VCF-style: chr5-236502-G-T. GRCh37 (hg19) VCF-style: chr5-236617-G-T.
Other names: c.1191G>T, p.Ser397= (NM_001294332.2); c.1335G>T, p.Ser445= (NM_001330758.2).
Identifiers: ClinVar variation 417269 (VCV000417269.46), dbSNP rs200223188, ClinGen allele CA3173195.

ClinVar aggregate classification (germline): Benign/Likely benign. Review status: criteria provided, multiple submitters, no conflicts (2 of 4 stars). 10 submissions from 10 submitters: Benign (1); Likely benign (8). 1 of the submissions does not count toward it. Last evaluated 2025-12-29.

Conditions:
Mitochondrial complex II deficiency, nuclear type 1. Also called: SUCCINATE CoQ REDUCTASE DEFICIENCY. Identifiers: Orphanet 3208, MedGen C5700310, MONDO:0100294, OMIM 252011.
Dilated cardiomyopathy 1GG (CMD1GG). Identifiers: Orphanet 154, MedGen C3150898, MONDO:0013339, OMIM 613642.
Neurodegeneration with ataxia and late-onset optic atrophy. Identifiers: MedGen C5543254, MONDO:0031006, OMIM 619259.
Pheochromocytoma/paraganglioma syndrome 5. Also called: Paragangliomas 5; SDHA-Related Hereditary Paraganglioma-Pheochromocytoma Syndrome. Identifiers: Orphanet 29072, MedGen C3279992, MONDO:0013602, OMIM 614165.
SDHA-related disorder. Also called: SDHA-related condition; SDHA-related disorders.
Hereditary cancer-predisposing syndrome. Also called: Tumor predisposition; Hereditary neoplastic syndrome; Hereditary Cancer Syndrome; Neoplastic Syndromes, Hereditary. Identifiers: Orphanet 140162, MedGen C0027672, MeSH D009386, MONDO:0015356.

Allele frequency attached by ClinVar (database versions not stated): 1000 Genomes Project 30x 0.00016; 1000 Genomes Project 0.00040.
gnomAD v4.1: 16 of 1,609,566 alleles (0.00099%); highest among the groups gnomAD compares: African/African-American, 0.011%; no homozygotes.

Submissions (10):

Labcorp Genetics (formerly Invitae), Labcorp
Classification: Likely benign for Pheochromocytoma/paraganglioma syndrome 5; Mitochondrial complex II deficiency, nuclear type 1. Last evaluated: 2025-12-29. Review status: criteria provided, single submitter. Criteria: Invitae Variant Classification Sherloc (09022015). Collection method: clinical testing. Allele origin: germline.

Quest Diagnostics Nichols Institute San Juan Capistrano
Classification: Likely benign. Last evaluated: 2025-04-23. Review status: criteria provided, single submitter. Criteria: Quest Diagnostics criteria. Collection method: clinical testing. Allele origin: unknown.

Myriad Genetics, Inc.
Classification: Benign for Pheochromocytoma/paraganglioma syndrome 5. Last evaluated: 2025-03-10. Review status: criteria provided, single submitter. Criteria: Myriad Autosomal Dominant, Autosomal Recessive and X-Linked Classification Criteria (2023). Collection method: clinical testing. Allele origin: unknown.
Comment: This variant is considered benign. This variant is a silent/synonymous amino acid change and it is not expected to impact splicing.

Blueprint Genetics
Classification: Likely benign. Last evaluated: 2024-11-26. Review status: criteria provided, single submitter. Criteria: ACMG Guidelines, 2015. Collection method: clinical testing. Allele origin: germline.

Department of Pathology and Laboratory Medicine, Sinai Health System
Classification: Likely benign for Mitochondrial complex II deficiency, nuclear type 1; Dilated cardiomyopathy 1GG; Pheochromocytoma/paraganglioma syndrome 5; Neurodegeneration with ataxia and late-onset optic atrophy. Last evaluated: 2023-02-16. Review status: criteria provided, single submitter. Criteria: ACMG Guidelines, 2015. Collection method: clinical testing. Allele origin: germline. Affected: yes.

CeGaT Center for Human Genetics Tuebingen
Classification: Likely benign. Last evaluated: 2022-11-01. Review status: criteria provided, single submitter. Criteria: CeGaT Center For Human Genetics Tuebingen Variant Classification Criteria Version 2. Collection method: clinical testing. Allele origin: germline. Affected: yes. Observed: 1 variant allele.
Comment: SDHA: BP4, BP7

Sema4
Classification: Likely benign for Hereditary cancer-predisposing syndrome. Last evaluated: 2021-05-07. Review status: criteria provided, single submitter. Criteria: Sema4 Curation Guidelines. Collection method: curation. Allele origin: germline.

Ambry Genetics
Classification: Likely benign for Hereditary cancer-predisposing syndrome. Last evaluated: 2018-04-06. Review status: criteria provided, single submitter. Criteria: Ambry Variant Classification Scheme 2023. Collection method: clinical testing. Allele origin: germline.

Breakthrough Genomics
Classification: Likely benign. Review status: criteria provided, single submitter. Criteria: ACMG Guidelines, 2015. Collection method: not provided. Allele origin: germline. Inheritance: Autosomal recessive inheritance. Affected: yes.

PreventionGenetics, part of Exact Sciences
Classification: Likely benign for SDHA-related condition. Last evaluated: 2020-01-02. Review status: no assertion criteria provided. Collection method: clinical testing. Allele origin: germline. Not counted in ClinVar's aggregate classification.
Comment: This variant is classified as likely benign based on ACMG/AMP sequence variant interpretation guidelines (Richards et al. 2015 PMID: 25741868, with internal and published modifications).